The following is an entry in ClinVar:

NM_002971.6(SATB1):c.67C>G (p.Pro23Ala)

Gene: SATB1 (SATB homeobox 1; minus strand). Cytogenetic location: 3p24.3.
Variant type: single nucleotide variant.
Coding change: c.67C>G on transcript NM_002971.6 (MANE Select); coding-DNA position 67, C replaced by G.
Protein change: p.Pro23Ala; replaces proline 23 with alanine.
Molecular consequence: missense variant. On other transcripts: intron variant (1).
Genome position (GRCh38, 1-based): chr3:18,420,901, G>C on the plus strand (C>G on the coding strand, the complement: SATB1 is on the minus strand). VCF-style: chr3-18420901-G-C. GRCh37 (hg19) VCF-style: chr3-18462393-G-C.
Other names: c.67C>G, p.Pro23Ala (NM_001131010.4, NM_001195470.3, NM_001322871.2 and 4 more transcripts); c.-5-3823C>G (NM_001322876.2); short protein forms P23A.
Identifiers: ClinVar variation 3341301 (VCV003341301.1).
Genomic context (GRCh38, chr3:18,420,901, plus strand): 5'-CTCTTCCTAGCGGGCTCCCGTTCTGCTCCAGGCGGGCAATCTTGGCTGGTGGACCCTTCG[G>C]ATCACTCACATTGTTAGACATTTCTGAATGTTCTTTCCCCTGAGTTGCCTCGTTCAAATG-3'
Protein context (NP_002962.1, residues 13-33): HSEMSNNVSD[Pro23Ala]KGPPAKIARL

ClinVar aggregate classification (germline): Uncertain significance (1 of 4 stars; one submission).

Conditions:
Developmental delay with dysmorphic facies and dental anomalies. Identifiers: MedGen C5543197, MONDO:0030988, OMIM 619228.

gnomAD v4.1: 16 of 1,614,034 alleles (0.00099%); highest among the groups gnomAD compares: South Asian, 0.015%; no homozygotes.

Submission:

Neuberg Centre For Genomic Medicine, NCGM
Classification: Uncertain significance for Developmental delay with dysmorphic facies and dental anomalies. Last evaluated: 2023-05-20. Review status: criteria provided, single submitter. Criteria: ACMG Guidelines, 2015. Collection method: clinical testing. Allele origin: germline. Inheritance: Autosomal dominant inheritance. Affected: yes.
Comment: The missense c.67C>G (p.Pro23Ala) variant in SATB1 gene has not been reported previously as a pathogenic variant nor as a benign variant, to our knowledge. This variant is reported with the allele frequency (0.001%) in the gnomAD Exomes. The amino acid Proline at position 23 is changed to a Alanine changing protein sequence and it might alter its composition and physico-chemical properties. Multiple lines of computational evidence (Polyphen - Benign, SIFT - Tolerated and MutationTaster - Disease causing) predicts conflicting evidence on protein structure and function for this variant. The amino acid change p.Pro23Ala in SATB1 is predicted as conserved by GERP++ and PhyloP across 100 vertebrate. For these reasons, this variant has been classified as Uncertain Significance.